The following is an entry in ClinVar:

ClinVar aggregate classification (germline): Uncertain significance (1 of 4 stars; one submission).

Conditions:
Hereditary cancer-predisposing syndrome. Also called: Neoplastic Syndromes, Hereditary; Tumor predisposition; Hereditary neoplastic syndrome; Hereditary Cancer Syndrome. Identifiers: Orphanet 140162, MedGen C0027672, MeSH D009386, MONDO:0015356.
Cardiovascular phenotype. Identifiers: MedGen CN230736.

Submission:

Ambry Genetics
Classification: Uncertain significance for Cardiovascular phenotype; Hereditary cancer-predisposing syndrome. Last evaluated: 2023-12-18. Review status: criteria provided, single submitter. Criteria: Ambry Variant Classification Scheme 2023. Collection method: clinical testing. Allele origin: germline.
Comment: The p.H178P variant (also known as c.533A>C), located in coding exon 6 of the LZTR1 gene, results from an A to C substitution at nucleotide position 533. The histidine at codon 178 is replaced by proline, an amino acid with similar properties. This amino acid position is conserved. In addition, this alteration is predicted to be deleterious by in silico analysis. Since supporting evidence is limited at this time, the clinical significance of this alteration remains unclear.

NM_006767.4(LZTR1):c.533A>C (p.His178Pro)

Gene: LZTR1 (leucine zipper like post translational regulator 1; plus strand). Cytogenetic location: 22q11.21.
Variant type: single nucleotide variant.
Coding change: c.533A>C on transcript NM_006767.4 (MANE Select); coding-DNA position 533, A replaced by C.
Protein change: p.His178Pro; replaces histidine 178 with proline.
Molecular consequence: missense variant.
Genome position (GRCh38, 1-based): chr22:20,988,812, A>C. VCF-style: chr22-20988812-A-C. GRCh37 (hg19) VCF-style: chr22-21343101-A-C.
Other names: short protein forms H178P.
Identifiers: ClinVar variation 3238304 (VCV003238304.1), dbSNP rs775028367.